The following is an entry in ClinVar:

NM_004448.4(ERBB2):c.528C>T (p.Asn176=)

Gene: ERBB2 (erb-b2 receptor tyrosine kinase 2; plus strand). Cytogenetic location: 17q12.
Variant type: single nucleotide variant.
Coding change: c.528C>T on transcript NM_004448.4 (MANE Select); coding-DNA position 528, C replaced by T.
Protein change: p.Asn176=; no amino-acid change (asparagine 176 retained).
Molecular consequence: synonymous variant. On other transcripts: non-coding transcript variant (1), intron variant (2).
Genome position (GRCh38, 1-based): chr17:39,709,406, C>T. VCF-style: chr17-39709406-C-T. GRCh37 (hg19) VCF-style: chr17-37865659-C-T.
Other names: c.438C>T, p.Asn146= (NM_001005862.3, NM_001289938.2, NM_001382782.1 and 1 more transcripts); c.483C>T, p.Asn161= (NM_001289936.2); c.528C>T, p.Asn176= (NM_001289937.2, NM_001382784.1, NM_001382785.1 and 17 more transcripts); c.603C>T, p.Asn201= (NM_001382787.1); c.519C>T, p.Asn173= (NM_001382791.1); c.440-452C>T (NM_001382799.1); c.74-2522C>T (NM_001382804.1).
Identifiers: ClinVar variation 775162 (VCV000775162.35), dbSNP rs56114611, ClinGen allele CA8533644.
Genomic context (GRCh38, chr17:39,709,406, plus strand): 5'-GCGGAACCCCCAGCTCTGCTACCAGGACACGATTTTGTGGAAGGACATCTTCCACAAGAA[C>T]AACCAGCTGGCTCTCACACTGATAGACACCAACCGCTCTCGGGCCTGTAAGCCATGCCCC-3'
Protein context (NP_004439.2, residues 166-186): TILWKDIFHK[Asn176=]NQLALTLIDT

ClinVar aggregate classification (germline): Benign. Review status: criteria provided, multiple submitters, no conflicts (2 of 4 stars). 3 submissions from 3 submitters: Benign (3). Last evaluated 2026-03-01.

Allele frequency attached by ClinVar (database versions not stated): 1000 Genomes Project 0.00339; 1000 Genomes Project 30x 0.00422; TOPMed 0.00759; gnomAD 0.00763 and 0.00770; ExAC 0.00825; gnomAD exomes 0.00838 and 0.01166; ESP Exome Variant Server 0.00884.
gnomAD v4.1: 18,161 of 1,614,102 alleles (1.1%); highest among the groups gnomAD compares: Non-Finnish European, 1.3%; 159 homozygotes.

Submissions (3):

CeGaT Center for Human Genetics Tuebingen
Classification: Benign. Last evaluated: 2026-03-01. Review status: criteria provided, single submitter. Criteria: CeGaT Center For Human Genetics Tuebingen Variant Classification Criteria Version 2. Collection method: clinical testing. Allele origin: germline. Affected: yes. Observed: 9 variant alleles.
Comment: ERBB2: BP4, BP7, BS1, BS2

Labcorp Genetics (formerly Invitae), Labcorp
Classification: Benign. Last evaluated: 2026-01-31. Review status: criteria provided, single submitter. Criteria: Invitae Variant Classification Sherloc (09022015). Collection method: clinical testing. Allele origin: germline.

Breakthrough Genomics
Classification: Benign. Review status: criteria provided, single submitter. Criteria: ACMG Guidelines, 2015. Collection method: not provided. Allele origin: germline. Inheritance: Autosomal recessive inheritance. Affected: yes.